The following is an entry in ClinVar:

NM_000051.4(ATM):c.6839A>G (p.Gln2280Arg)

Genes: ATM (ATM serine/threonine kinase; plus strand), C11orf65 (chromosome 11 open reading frame 65; minus strand). Cytogenetic location: 11q22.3.
Variant type: single nucleotide variant.
Coding change: c.6839A>G on transcript NM_000051.4 (MANE Select); coding-DNA position 6839, A replaced by G.
Protein change: p.Gln2280Arg; replaces glutamine 2280 with arginine.
Molecular consequence: missense variant. On other transcripts: intron variant (2).
Genome position (GRCh38, 1-based): chr11:108,326,089, A>G. VCF-style: chr11-108326089-A-G. GRCh37 (hg19) VCF-style: chr11-108196816-A-G.
Other names: c.6839A>G, p.Gln2280Arg (NM_001351834.2); c.641-17018T>C (NM_001330368.2); c.*38+9131T>C (NM_001351110.2); short protein forms Q2280R.
Identifiers: ClinVar variation 524294 (VCV000524294.9), dbSNP rs1555119779, ClinGen allele CA382556626.

ClinVar aggregate classification (germline): Uncertain significance (1 of 4 stars; one submission).

Conditions:
Ataxia-telangiectasia syndrome (AT). Also called: Cerebello-oculocutaneous telangiectasia; Immunodeficiency with ataxia telangiectasia; Ataxia-telangiectasia, complementation group E; Ataxia-telangiectasia, complementation group D; AT, COMPLEMENTATION GROUP C; ATAXIA-TELANGIECTASIA, COMPLEMENTATION GROUP A. Identifiers: Orphanet 100, MedGen C0004135, MONDO:0008840, OMIM 208900.

Submission:

Labcorp Genetics (formerly Invitae), Labcorp
Classification: Uncertain significance for Ataxia-telangiectasia syndrome. Last evaluated: 2017-08-20. Review status: criteria provided, single submitter. Criteria: Invitae Variant Classification Sherloc (09022015). Collection method: clinical testing. Allele origin: germline.
Comment: This sequence change replaces glutamine with arginine at codon 2280 of the ATM protein (p.Gln2280Arg). The glutamine residue is highly conserved and there is a small physicochemical difference between glutamine and arginine. This variant is not present in population databases (ExAC no frequency). In summary, the available evidence is currently insufficient to determine the role of this variant in disease. Therefore, it has been classified as a Variant of Uncertain Significance. Algorithms developed to predict the effect of missense changes on protein structure and function do not agree on the potential impact of this missense change (SIFT: "Deleterious"; PolyPhen-2: "Possibly Damaging"; Align-GVGD: "Class C0"). This variant has not been reported in the literature in individuals with ATM-related disease.